The following is an entry in ClinVar:

NM_000083.3(CLCN1):c.629A>G (p.Lys210Arg)

Gene: CLCN1 (chloride voltage-gated channel 1; plus strand). Cytogenetic location: 7q34.
Variant type: single nucleotide variant.
Coding change: c.629A>G on transcript NM_000083.3 (MANE Select); coding-DNA position 629, A replaced by G.
Protein change: p.Lys210Arg; replaces lysine 210 with arginine.
Molecular consequence: missense variant. On other transcripts: non-coding transcript variant (1).
Genome position (GRCh38, 1-based): chr7:143,321,781, A>G. VCF-style: chr7-143321781-A-G. GRCh37 (hg19) VCF-style: chr7-143018874-A-G.
Other names: short protein forms K210R.
Identifiers: ClinVar variation 1956776 (VCV001956776.5), dbSNP rs2487033990, ClinGen allele CA369684688.

ClinVar aggregate classification (germline): Uncertain significance (1 of 4 stars; one submission).

Conditions:
Congenital myotonia, autosomal recessive form. Also called: BECKER DISEASE; Becker Generalized Myotonia; myotonia congenita, autosomal recessive. Identifiers: Orphanet 614, MedGen C0751360, MONDO:0009715, OMIM 255700.
Congenital myotonia, autosomal dominant form (THD). Also called: THOMSEN DISEASE; Myotonia congenita autosomal dominant. Identifiers: Orphanet 614, MedGen C2936781, MONDO:0008055, OMIM 160800.

Submission:

Labcorp Genetics (formerly Invitae), Labcorp
Classification: Uncertain significance for Congenital myotonia, autosomal recessive form; Congenital myotonia, autosomal dominant form. Last evaluated: 2022-07-26. Review status: criteria provided, single submitter. Criteria: Invitae Variant Classification Sherloc (09022015). Collection method: clinical testing. Allele origin: germline.
Comment: This sequence change replaces lysine, which is basic and polar, with arginine, which is basic and polar, at codon 210 of the CLCN1 protein (p.Lys210Arg). In summary, the available evidence is currently insufficient to determine the role of this variant in disease. Therefore, it has been classified as a Variant of Uncertain Significance. Algorithms developed to predict the effect of missense changes on protein structure and function (SIFT, PolyPhen-2, Align-GVGD) all suggest that this variant is likely to be tolerated. This variant has not been reported in the literature in individuals affected with CLCN1-related conditions. This variant is not present in population databases (gnomAD no frequency).